The following is an entry in ClinVar:

ClinVar aggregate classification (germline): Benign. Review status: criteria provided, multiple submitters, no conflicts (2 of 4 stars). 21 submissions from 14 submitters: Benign (19). 2 of the submissions do not count toward it. Last evaluated 2026-02-04.

Conditions:
Dilated cardiomyopathy 1G (CMD1G). Identifiers: Orphanet 154, MedGen C1858763, MONDO:0011400, OMIM 604145.
Autosomal recessive limb-girdle muscular dystrophy type 2J (LGMDR10). Also called: MUSCULAR DYSTROPHY, LIMB-GIRDLE, AUTOSOMAL RECESSIVE 10; Limb-girdle muscular dystrophy, type 2J. Identifiers: Orphanet 140922, MedGen C1837342, MONDO:0012127, OMIM 608807.
Cardiovascular phenotype. Identifiers: MedGen CN230736.
Early-onset myopathy with fatal cardiomyopathy (CMYO5). Also called: CONGENITAL MYOPATHY 5 WITH CARDIOMYOPATHY; Salih Myopathy. Identifiers: Orphanet 289377, MedGen C2673677, MONDO:0012714, OMIM 611705. Disease mechanism: loss of function.
Tibial muscular dystrophy (TMD). Also called: Udd Distal Myopathy – Tibial Muscular Dystrophy; Tibial muscular dystrophy, tardive; UDD MYOPATHY. Identifiers: Orphanet 609, MedGen C1838244, MONDO:0010870, OMIM 600334.
Myopathy, myofibrillar, 9, with early respiratory failure (MFM9). Also called: Myopathy, distal, with early respiratory failure, autosomal dominant; Hereditary myopathy with early respiratory failure; MYOPATHY, PROXIMAL, WITH EARLY RESPIRATORY MUSCLE INVOLVEMENT; EDSTROM MYOPATHY. Identifiers: Orphanet 178464, Orphanet 34521, MedGen C1863599, MONDO:0011362, OMIM 603689.

Allele frequency attached by ClinVar (database versions not stated): ESP Exome Variant Server 0.05835; TOPMed 0.07034; gnomAD 0.06603 and 0.06625; 1000 Genomes Project 30x 0.09447; 1000 Genomes Project 0.09685; ExAC 0.05739.
gnomAD v4.1: 59,216 of 1,611,202 alleles (3.7%); highest among the groups gnomAD compares: East Asian, 19%; 2,249 homozygotes.

Submissions (21):

Labcorp Genetics (formerly Invitae), Labcorp
Classification: Benign for Dilated cardiomyopathy 1G; Autosomal recessive limb-girdle muscular dystrophy type 2J. Last evaluated: 2026-02-04. Review status: criteria provided, single submitter. Criteria: Invitae Variant Classification Sherloc (09022015). Collection method: clinical testing. Allele origin: germline.

Molecular Diagnostic Laboratory for Inherited Cardiovascular Disease, Montreal Heart Institute
Classification: Benign. Last evaluated: 2025-04-09. Review status: criteria provided, single submitter. Criteria: ACMG Guidelines, 2015. Collection method: clinical testing. Allele origin: germline. Affected: no.

Genome-Nilou Lab
Classification: Benign for Autosomal recessive limb-girdle muscular dystrophy type 2J. Last evaluated: 2021-09-10. Review status: criteria provided, single submitter. Criteria: ACMG Guidelines, 2015. Collection method: clinical testing. Allele origin: germline. Affected: no.

Genome-Nilou Lab
Classification: Benign for Myopathy, myofibrillar, 9, with early respiratory failure. Last evaluated: 2021-09-10. Review status: criteria provided, single submitter. Criteria: ACMG Guidelines, 2015. Collection method: clinical testing. Allele origin: germline. Affected: no.

Genome-Nilou Lab
Classification: Benign for Early-onset myopathy with fatal cardiomyopathy. Last evaluated: 2021-09-10. Review status: criteria provided, single submitter. Criteria: ACMG Guidelines, 2015. Collection method: clinical testing. Allele origin: germline. Affected: no.

Genome-Nilou Lab
Classification: Benign for Tibial muscular dystrophy. Last evaluated: 2021-09-10. Review status: criteria provided, single submitter. Criteria: ACMG Guidelines, 2015. Collection method: clinical testing. Allele origin: germline. Affected: no.

Women's Health and Genetics/Laboratory Corporation of America, LabCorp
Classification: Benign. Last evaluated: 2019-09-14. Review status: criteria provided, single submitter. Criteria: LabCorp Variant Classification Summary - May 2015. Collection method: clinical testing. Allele origin: germline.

Illumina Laboratory Services, Illumina
Classification: Benign for Early-onset myopathy with fatal cardiomyopathy. Last evaluated: 2018-01-13. Review status: criteria provided, single submitter. Criteria: ICSL Variant Classification Criteria 13 December 2019. Collection method: clinical testing. Allele origin: germline.
Comment: This variant was observed in the ICSL laboratory as part of a predisposition screen in an ostensibly healthy population. It had not been previously curated by ICSL or reported in the Human Gene Mutation Database (HGMD: prior to June 1st, 2018), and was therefore a candidate for classification through an automated scoring system. Utilizing variant allele frequency, disease prevalence and penetrance estimates, and inheritance mode, an automated score was calculated to assess if this variant is too frequent to cause the disease. Based on the score and internal cut-off values, a variant classified as benign is not then subjected to further curation. The score for this variant resulted in a classification of benign for this disease.

Illumina Laboratory Services, Illumina
Classification: Benign for Autosomal recessive limb-girdle muscular dystrophy type 2J. Last evaluated: 2018-01-13. Review status: criteria provided, single submitter. Criteria: ICSL Variant Classification Criteria 13 December 2019. Collection method: clinical testing. Allele origin: germline.
Comment: the same text as in the submission from Illumina Laboratory Services, Illumina above.

Illumina Laboratory Services, Illumina
Classification: Benign for Myopathy, myofibrillar, 9, with early respiratory failure. Last evaluated: 2018-01-13. Review status: criteria provided, single submitter. Criteria: ICSL Variant Classification Criteria 13 December 2019. Collection method: clinical testing. Allele origin: germline.
Comment: the same text as in the submission from Illumina Laboratory Services, Illumina above.

Illumina Laboratory Services, Illumina
Classification: Benign for Tibial muscular dystrophy. Last evaluated: 2018-01-13. Review status: criteria provided, single submitter. Criteria: ICSL Variant Classification Criteria 13 December 2019. Collection method: clinical testing. Allele origin: germline.
Comment: the same text as in the submission from Illumina Laboratory Services, Illumina above.

Illumina Laboratory Services, Illumina
Classification: Benign for Dilated cardiomyopathy 1G. Last evaluated: 2018-01-13. Review status: criteria provided, single submitter. Criteria: ICSL Variant Classification Criteria 13 December 2019. Collection method: clinical testing. Allele origin: germline.
Comment: the same text as in the submission from Illumina Laboratory Services, Illumina above.

Mayo Clinic Laboratories, Mayo Clinic
Classification: Benign. Last evaluated: 2017-08-24. Review status: criteria provided, single submitter. Criteria: ACMG Guidelines, 2015. Collection method: clinical testing. Allele origin: germline. Observed: 187 variant alleles.

Genetic Services Laboratory, University of Chicago
Classification: Benign for AllHighlyPenetrant. Last evaluated: 2013-08-15. Review status: criteria provided, single submitter. Criteria: ACMG Guidelines, 2007. Collection method: clinical testing. Allele origin: germline.

GeneDx
Classification: Benign. Last evaluated: 2013-04-29. Review status: criteria provided, single submitter. Criteria: GeneDx Variant Classification (06012015). Collection method: clinical testing. Allele origin: germline. Affected: yes.
Comment: This variant is considered likely benign or benign based on one or more of the following criteria: it is a conservative change, it occurs at a poorly conserved position in the protein, it is predicted to be benign by multiple in silico algorithms, and/or has population frequency not consistent with disease.

Ambry Genetics
Classification: Benign for Cardiovascular phenotype. Last evaluated: 2013-01-16. Review status: criteria provided, single submitter. Criteria: Ambry Autosomal Dominant and X-Linked criteria (10/2015). Collection method: clinical testing. Allele origin: germline. Observed: 1 variant allele.

Laboratory for Molecular Medicine, Mass General Brigham Personalized Medicine
Classification: Benign. Last evaluated: 2012-04-19. Review status: criteria provided, single submitter. Criteria: LMM Criteria. Collection method: clinical testing. Allele origin: germline. Observed: 158 variant alleles.

Breakthrough Genomics
Classification: Benign. Review status: criteria provided, single submitter. Criteria: ACMG Guidelines, 2015. Collection method: not provided. Allele origin: germline. Inheritance: Autosomal recessive inheritance. Affected: yes.

PreventionGenetics, part of Exact Sciences
Classification: Benign. Review status: criteria provided, single submitter. Criteria: ACMG Guidelines, 2015. Collection method: clinical testing. Allele origin: germline.

Clinical Genetics DNA and cytogenetics Diagnostics Lab, Erasmus MC, Erasmus Medical Center
Classification: Benign. Review status: no assertion criteria provided. Collection method: clinical testing. Allele origin: germline. Affected: yes. Study: VKGL Data-share Consensus. Not counted in ClinVar's aggregate classification.

Clinical Genetics, Academic Medical Center
Classification: Benign. Review status: no assertion criteria provided. Collection method: clinical testing. Allele origin: germline. Affected: yes. Study: VKGL Data-share Consensus. Not counted in ClinVar's aggregate classification.

NM_001267550.2(TTN):c.29763T>C (p.Ile9921=)

Gene: TTN (titin; minus strand). Cytogenetic location: 2q31.2.
Variant type: single nucleotide variant.
Coding change: c.29763T>C on transcript NM_001267550.2 (MANE Select); coding-DNA position 29763, T replaced by C.
Protein change: p.Ile9921=; no amino-acid change (isoleucine 9921 retained).
Molecular consequence: synonymous variant. On other transcripts: intron variant (3).
Genome position (GRCh38, 1-based): chr2:178,704,709, A>G on the plus strand (T>C on the coding strand, the complement: TTN is on the minus strand). VCF-style: chr2-178704709-A-G. GRCh37 (hg19) VCF-style: chr2-179569436-A-G.
Other names: p.I8677I:ATT>ATC; p.Ile8677=; c.28812T>C, p.Ile9604= (NM_001256850.1); c.26031T>C, p.Ile8677= (NM_133378.4); c.13282+33373T>C (NM_003319.4); c.13858+33373T>C (NM_133437.4); c.13657+33373T>C (NM_133432.3).
Identifiers: ClinVar variation 46823 (VCV000046823.33), dbSNP rs2742343, ClinGen allele CA283051.
Genomic context (GRCh38, chr2:178,704,709, plus strand): 5'-CAGTTTTTCAGTTCCTTTGTACCACGAAAGCTTGATTTCTGGATAATTAATTTTAATGTC[A>G]ATTTCAAAGACAGCATCATTATCTTTCAAAACTGTCTGATTTTCAATGTCCTTGATCAGA-3'
Protein context (NP_001254479.2, residues 9911-9931): VLKDNDAVFE[Ile9921=]DIKINYPEIK